The following is an entry in ClinVar:

ClinVar aggregate classification (germline): Conflicting classifications of pathogenicity. Review status: criteria provided, conflicting classifications (1 of 4 stars). 7 submissions from 7 submitters: Uncertain significance (5); Benign (1); Likely benign (1). Last evaluated 2025-10-20.

Conditions:
Hereditary cancer-predisposing syndrome. Also called: Neoplastic Syndromes, Hereditary; Hereditary Cancer Syndrome; Hereditary neoplastic syndrome; Tumor predisposition. Identifiers: Orphanet 140162, MedGen C0027672, MeSH D009386, MONDO:0015356.
Peutz-Jeghers syndrome (PJS). Also called: Peutz-Jeghers polyposis; Periorificial lentiginosis syndrome; POLYPOSIS, HAMARTOMATOUS INTESTINAL; POLYPS-AND-SPOTS SYNDROME. Identifiers: Orphanet 2869, MedGen C0031269, MeSH D010580, MONDO:0008280, OMIM 175200.

Allele frequency attached by ClinVar (database versions not stated): TOPMed 0.00001.

Submissions (7):

Color Diagnostics, LLC DBA Color Health
Classification: Uncertain significance for Hereditary cancer-predisposing syndrome. Last evaluated: 2025-10-20. Review status: criteria provided, single submitter. Criteria: ACMG Guidelines, 2015. Collection method: clinical testing. Allele origin: germline.
Comment: This missense variant replaces alanine with glycine at codon 347 of the STK11 protein. Computational prediction suggests that this variant may not impact protein structure and function. To our knowledge, functional studies have not been reported for this variant. This variant has been reported in individuals affected with breast cancer (PMID: 26976419). This variant has not been identified in the general population by the Genome Aggregation Database (gnomAD). The available evidence is insufficient to determine the role of this variant in disease conclusively. Therefore, this variant is classified as a Variant of Uncertain Significance.

Labcorp Genetics (formerly Invitae), Labcorp
Classification: Benign for Peutz-Jeghers syndrome. Last evaluated: 2025-07-14. Review status: criteria provided, single submitter. Criteria: Invitae Variant Classification Sherloc (09022015). Collection method: clinical testing. Allele origin: germline.

Molecular Pathology, Peter Maccallum Cancer Centre
Classification: Uncertain significance for Peutz-Jeghers syndrome. Last evaluated: 2025-02-03. Review status: criteria provided, single submitter. Criteria: ACMG Guidelines, 2015. Collection method: clinical testing. Allele origin: germline. Inheritance: Autosomal dominant inheritance.

Ambry Genetics
Classification: Likely benign for Hereditary cancer-predisposing syndrome. Last evaluated: 2025-01-10. Review status: criteria provided, single submitter. Criteria: Ambry Variant Classification Scheme 2023. Collection method: clinical testing. Allele origin: germline.

GeneDx
Classification: Uncertain significance. Last evaluated: 2024-05-03. Review status: criteria provided, single submitter. Criteria: GeneDx Variant Classification Process June 2021. Collection method: clinical testing. Allele origin: germline. Affected: yes.
Comment: Not observed at significant frequency in large population cohorts (gnomAD); In silico analysis indicates that this missense variant does not alter protein structure/function; Observed in an individual with breast cancer (PMID: 26976419); This variant is associated with the following publications: (PMID: 28900777, 26976419)

All of Us Research Program, National Institutes of Health
Classification: Uncertain significance for Peutz-Jeghers syndrome. Last evaluated: 2023-06-08. Review status: criteria provided, single submitter. Criteria: ACMG Guidelines, 2015. Collection method: clinical testing. Allele origin: germline. Inheritance: Autosomal dominant inheritance. Observed: 2 variant alleles, 2 heterozygotes.
Comment: This missense variant replaces alanine with glycine at codon 347 of the STK11 protein. Computational prediction suggests that this variant may not impact protein structure and function (internally defined REVEL score threshold <= 0.5, PMID: 27666373). To our knowledge, functional studies have not been reported for this variant. This variant has been reported in individuals affected with breast cancer (PMID: 26976419). This variant has not been identified in the general population by the Genome Aggregation Database (gnomAD). The available evidence is insufficient to determine the role of this variant in disease conclusively. Therefore, this variant is classified as a Variant of Uncertain Significance.

This study involves interpretation of variants in research participants for the purpose of population health screening. Participant phenotype was not available at the time of variant classification. Additional details can be found in publication PMID: 35346344, PMCID: PMC8962531

Genome-Nilou Lab
Classification: Uncertain significance for Peutz-Jeghers syndrome. Last evaluated: 2021-07-15. Review status: criteria provided, single submitter. Criteria: ACMG Guidelines, 2015. Collection method: clinical testing. Allele origin: germline. Affected: no.

Literature cited by the submitters: PubMed 26976419 (cited by Color Diagnostics, LLC DBA Color Health and All of Us Research Program, National Institutes of Health).

NM_000455.5(STK11):c.1040C>G (p.Ala347Gly)

Genes: STK11 (serine/threonine kinase 11; plus strand), LOC130062899 (ATAC-STARR-seq lymphoblastoid active region 13597; plus strand). Cytogenetic location: 19p13.3.
Variant type: single nucleotide variant.
Coding change: c.1040C>G on transcript NM_000455.5 (MANE Select); coding-DNA position 1040, C replaced by G.
Protein change: p.Ala347Gly; replaces alanine 347 with glycine.
Molecular consequence: missense variant.
Genome position (GRCh38, 1-based): chr19:1,223,104, C>G. VCF-style: chr19-1223104-C-G. GRCh37 (hg19) VCF-style: chr19-1223103-C-G.
Other names: short protein forms A347G.
Identifiers: ClinVar variation 141851 (VCV000141851.28), dbSNP rs587782058, ClinGen allele CA022211.